The following is an entry in ClinVar:

ClinVar aggregate classification (germline): Uncertain significance (1 of 4 stars; one submission).

Allele frequency attached by ClinVar (database versions not stated): TOPMed below 0.00001.
gnomAD v4.1: 2 of 1,611,678 alleles (0.00012%); highest among the groups gnomAD compares: African/African-American, 0.0027%; no homozygotes.

Submission:

Labcorp Genetics (formerly Invitae), Labcorp
Classification: Uncertain significance. Last evaluated: 2021-12-02. Review status: criteria provided, single submitter. Criteria: Invitae Variant Classification Sherloc (09022015). Collection method: clinical testing. Allele origin: germline.
Comment: This sequence change replaces cysteine, which is neutral and slightly polar, with tryptophan, which is neutral and slightly polar, at codon 9 of the PDHX protein (p.Cys9Trp). This variant is not present in population databases (gnomAD no frequency). This variant has not been reported in the literature in individuals affected with PDHX-related conditions. Algorithms developed to predict the effect of missense changes on protein structure and function (SIFT, PolyPhen-2, Align-GVGD) all suggest that this variant is likely to be tolerated. In summary, the available evidence is currently insufficient to determine the role of this variant in disease. Therefore, it has been classified as a Variant of Uncertain Significance.

NM_003477.3(PDHX):c.27T>G (p.Cys9Trp)

Genes: PDHX (pyruvate dehydrogenase complex component X; plus strand), LOC130005549 (ATAC-STARR-seq lymphoblastoid active region 4608; plus strand). Cytogenetic location: 11p13.
Variant type: single nucleotide variant.
Coding change: c.27T>G on transcript NM_003477.3 (MANE Select); coding-DNA position 27, T replaced by G.
Protein change: p.Cys9Trp; replaces cysteine 9 with tryptophan.
Molecular consequence: missense variant. On other transcripts: intron variant (1).
Genome position (GRCh38, 1-based): chr11:34,916,682, T>G. VCF-style: chr11-34916682-T-G. GRCh37 (hg19) VCF-style: chr11-34938229-T-G.
Other names: c.27T>G, p.Cys9Trp (NM_001166158.2); c.-21+196T>G (NM_001135024.2); short protein forms C9W.
Identifiers: ClinVar variation 1348876 (VCV001348876.6), dbSNP rs1590721485, ClinGen allele CA380123673.